The following is an entry in ClinVar:

NM_001999.4(FBN2):c.2347A>T (p.Ile783Phe)

Gene: FBN2 (fibrillin 2; minus strand). Cytogenetic location: 5q23.3.
Variant type: single nucleotide variant.
Coding change: c.2347A>T on transcript NM_001999.4 (MANE Select); coding-DNA position 2347, A replaced by T.
Protein change: p.Ile783Phe; replaces isoleucine 783 with phenylalanine.
Molecular consequence: missense variant.
Genome position (GRCh38, 1-based): chr5:128,364,681, T>A on the plus strand (A>T on the coding strand, the complement: FBN2 is on the minus strand). VCF-style: chr5-128364681-T-A. GRCh37 (hg19) VCF-style: chr5-127700374-T-A.
Other names: short protein forms I783F.
Identifiers: ClinVar variation 4023453 (VCV004023453.1).

ClinVar aggregate classification (germline): Uncertain significance (1 of 4 stars; one submission).

Conditions:
Familial thoracic aortic aneurysm and aortic dissection (TAAD). Also called: Thoracic aortic aneurysms and dissections. Identifiers: Orphanet 91387, MedGen C4707243, MONDO:0019625.

gnomAD v4.1: 5 of 1,613,316 alleles (0.00031%); highest among the groups gnomAD compares: Non-Finnish European, 0.00034%; no homozygotes.

Submission:

Ambry Genetics
Classification: Uncertain significance for Familial thoracic aortic aneurysm and aortic dissection. Last evaluated: 2025-04-22. Review status: criteria provided, single submitter. Criteria: Ambry Variant Classification Scheme 2023. Collection method: clinical testing. Allele origin: germline.
Comment: The p.I783F variant (also known as c.2347A>T), located in coding exon 18 of the FBN2 gene, results from an A to T substitution at nucleotide position 2347. The isoleucine at codon 783 is replaced by phenylalanine, an amino acid with highly similar properties. This amino acid position is not well conserved in available vertebrate species. In addition, the in silico prediction for this alteration is inconclusive. Based on the available evidence, the clinical significance of this variant remains unclear.